The following is an entry in ClinVar:

ClinVar aggregate classification (germline): Uncertain significance (1 of 4 stars; one submission).

Conditions:
Inborn genetic diseases. Identifiers: MedGen C0950123, MeSH D030342.

Submission:

Ambry Genetics
Classification: Uncertain significance for Inborn genetic diseases. Last evaluated: 2024-03-14. Review status: criteria provided, single submitter. Criteria: Ambry Variant Classification Scheme 2023. Collection method: clinical testing. Allele origin: germline.
Comment: The p.S616Y variant (also known as c.1847C>A), located in coding exon 12 of the EPAS1 gene, results from a C to A substitution at nucleotide position 1847. The serine at codon 616 is replaced by tyrosine, an amino acid with dissimilar properties. This amino acid position is conserved. In addition, this alteration is predicted to be tolerated by in silico analysis. Based on the available evidence, the clinical significance of this alteration remains unclear.

NM_001430.5(EPAS1):c.1847C>A (p.Ser616Tyr)

Gene: EPAS1 (endothelial PAS domain protein 1; plus strand). Cytogenetic location: 2p21.
Variant type: single nucleotide variant.
Coding change: c.1847C>A on transcript NM_001430.5 (MANE Select); coding-DNA position 1847, C replaced by A.
Protein change: p.Ser616Tyr; replaces serine 616 with tyrosine.
Molecular consequence: missense variant.
Genome position (GRCh38, 1-based): chr2:46,380,519, C>A. VCF-style: chr2-46380519-C-A. GRCh37 (hg19) VCF-style: chr2-46607658-C-A.
Other names: short protein forms S616Y.
Identifiers: ClinVar variation 3221575 (VCV003221575.1), dbSNP rs2546477407, ClinGen allele CA346705008.
Genomic context (GRCh38, chr2:46,380,519, plus strand): 5'-AGACAGAGCCCGAGCACCGGCCCATGTCCTCCATCTTCTTTGATGCCGGAAGCAAAGCAT[C>A]CCTGCCACCGTGCTGTGGCCAGGCCAGCACCCCTCTCTCTTCCATGGGGGGCAGATCCAA-3'
Protein context (NP_001421.2, residues 606-626): SIFFDAGSKA[Ser616Tyr]LPPCCGQAST